The following is an entry in ClinVar:

ClinVar aggregate classification (germline): Uncertain significance. Review status: criteria provided, multiple submitters, no conflicts (2 of 4 stars). 2 submissions from 2 submitters: Uncertain significance (2). Last evaluated 2025-01-28.

Allele frequency attached by ClinVar (database versions not stated): gnomAD exomes below 0.00001; ExAC 0.00001.
gnomAD v4.1: 1 of 1,612,634 alleles (0.000062%); highest among the groups gnomAD compares: Non-Finnish European, 0.000085%; no homozygotes.

Submissions (2):

Labcorp Genetics (formerly Invitae), Labcorp
Classification: Uncertain significance. Last evaluated: 2025-01-28. Review status: criteria provided, single submitter. Criteria: Invitae Variant Classification Sherloc (09022015). Collection method: clinical testing. Allele origin: germline.
Comment: This sequence change replaces histidine, which is basic and polar, with arginine, which is basic and polar, at codon 234 of the RAI1 protein (p.His234Arg). This variant is present in population databases (rs772479052, gnomAD 0.0009%). This variant has not been reported in the literature in individuals affected with RAI1-related conditions. ClinVar contains an entry for this variant (Variation ID: 2755380). Invitae Evidence Modeling of protein sequence and biophysical properties (such as structural, functional, and spatial information, amino acid conservation, physicochemical variation, residue mobility, and thermodynamic stability) indicates that this missense variant is not expected to disrupt RAI1 protein function with a negative predictive value of 80%. In summary, the available evidence is currently insufficient to determine the role of this variant in disease. Therefore, it has been classified as a Variant of Uncertain Significance.

Blueprint Genetics
Classification: Uncertain significance. Last evaluated: 2021-11-26. Review status: criteria provided, single submitter. Criteria: ACMG Guidelines, 2015. Collection method: clinical testing. Allele origin: germline.

NM_030665.4(RAI1):c.701A>G (p.His234Arg)

Gene: RAI1 (retinoic acid induced 1; plus strand). Cytogenetic location: 17p11.2.
Variant type: single nucleotide variant.
Coding change: c.701A>G on transcript NM_030665.4 (MANE Select); coding-DNA position 701, A replaced by G.
Protein change: p.His234Arg; replaces histidine 234 with arginine.
Molecular consequence: missense variant.
Genome position (GRCh38, 1-based): chr17:17,793,649, A>G. VCF-style: chr17-17793649-A-G. GRCh37 (hg19) VCF-style: chr17-17696963-A-G.
Other names: short protein forms H234R.
Identifiers: ClinVar variation 2755380 (VCV002755380.4), dbSNP rs772479052, ClinGen allele CA8418172.